The following is an entry in ClinVar:

NM_001110556.2(FLNA):c.2945A>T (p.Lys982Met)

Gene: FLNA (filamin A; minus strand). Cytogenetic location: Xq28.
Variant type: single nucleotide variant.
Coding change: c.2945A>T on transcript NM_001110556.2 (MANE Select); coding-DNA position 2945, A replaced by T.
Protein change: p.Lys982Met; replaces lysine 982 with methionine.
Molecular consequence: missense variant.
Genome position (GRCh38, 1-based): chrX:154,361,570, T>A on the plus strand (A>T on the coding strand, the complement: FLNA is on the minus strand). VCF-style: chrX-154361570-T-A. GRCh37 (hg19) VCF-style: chrX-153589938-T-A.
Other names: c.2945A>T, p.Lys982Met (NM_001456.4); short protein forms K982M.
Identifiers: ClinVar variation 451479 (VCV000451479.2), dbSNP rs1557178050, ClinGen allele CA415231233.

ClinVar aggregate classification (germline): Uncertain significance (1 of 4 stars; one submission).

Allele frequency attached by ClinVar (database versions not stated): TOPMed 0.00002.

Submission:

GeneDx
Classification: Uncertain significance. Last evaluated: 2017-08-18. Review status: criteria provided, single submitter. Criteria: GeneDx Variant Classification (06012015). Collection method: clinical testing. Allele origin: germline. Affected: yes.
Comment: The K982M variant of uncertain significance in the FLNA gene has not been published as pathogenic or been reported as benign to our knowledge. K982M is not observed in large population cohorts (Lek et al., 2016; 1000 Genomes Consortium et al., 2015; Exome Variant Server). The K982M variant is a non-conservative amino acid substitution, which is likely to impact secondary protein structure as these residues differ in polarity, charge, size and/or other properties. In addition, this substitution occurs at a position where only amino acids with similar properties to lysine are tolerated across species, and in silico analysis predicts this variant is probably damaging to the protein structure/function. Nevertheless, no missense variants in nearby residues have been reported in the Human Gene Mutation Database (Stenson et al., 2014), indicating that this region of the gene is not known to harbor disease-causing variants.